The following is an entry in ClinVar:

NM_005477.3(HCN4):c.2033_2035del (p.Tyr678del)

Gene: HCN4 (hyperpolarization activated cyclic nucleotide gated potassium channel 4; minus strand). Cytogenetic location: 15q24.1.
Variant type: Deletion.
Coding change: c.2033_2035del on transcript NM_005477.3 (MANE Select); coding-DNA positions 2033 to 2035, 3 bases deleted (ACT; older notation c.2033_2035delACT).
Protein change: p.Tyr678del; deletes tyrosine 678.
Molecular consequence: inframe deletion.
Genome position (GRCh38, 1-based): chr15:73,324,197-73,324,199, AGT deleted on the plus strand (ACT on the coding strand, the reverse complement: HCN4 is on the minus strand); deleting any 3 consecutive bases within chr15:73,324,197-73,324,201 gives the same sequence; the c. name uses the placement nearest the transcript's 3' end. VCF-style (leftmost placement, unchanged base first): chr15-73324196-CAGT-C. GRCh37 (hg19) VCF-style: chr15-73616537-CAGT-C.
Other names: c.2033_2035delACT (NM_005477.2); short protein forms Y678del.
Identifiers: ClinVar variation 936791 (VCV000936791.10), dbSNP rs2042884997, ClinGen allele CA1139664083.

ClinVar aggregate classification (germline): Uncertain significance. Review status: criteria provided, multiple submitters, no conflicts (2 of 4 stars). 2 submissions from 2 submitters: Uncertain significance (2). Last evaluated 2026-07-20.

Conditions:
Cardiovascular phenotype. Identifiers: MedGen CN230736.
Brugada syndrome 8 (BRGDA8). Identifiers: Orphanet 130, MedGen C2751083, MONDO:0013148, OMIM 613123.

Submissions (2):

Ambry Genetics
Classification: Uncertain significance for Cardiovascular phenotype. Last evaluated: 2026-07-20. Review status: criteria provided, single submitter. Criteria: Ambry Variant Classification Scheme 2023. Collection method: clinical testing. Allele origin: germline.
Comment: The c.2033_2035delACT variant (also known as p.Y678del) is located in coding exon 7 of the HCN4 gene. This variant results from an in-frame ACT deletion at nucleotide positions 2033 to 2035. This results in the in-frame deletion of a tyrosine at codon 678. This amino acid position is highly conserved in available vertebrate species. In addition, this variant is predicted to be deleterious by in silico analysis (Choi Y et al. PLoS ONE. 2012; 7(10):e46688). Based on the available evidence, the clinical significance of this variant remains unclear.

Labcorp Genetics (formerly Invitae), Labcorp
Classification: Uncertain significance for Brugada syndrome 8. Last evaluated: 2021-04-04. Review status: criteria provided, single submitter. Criteria: Invitae Variant Classification Sherloc (09022015). Collection method: clinical testing. Allele origin: germline.
Comment: Experimental studies and prediction algorithms are not available or were not evaluated for this variant, and the functional significance of the affected amino acid(s) is currently unknown. This variant has not been reported in the literature in individuals with HCN4-related conditions. This variant is not present in population databases (ExAC no frequency). This variant, c.2033_2035del, results in the deletion of 1 amino acid(s) of the HCN4 protein (p.Tyr678del), but otherwise preserves the integrity of the reading frame. In summary, the available evidence is currently insufficient to determine the role of this variant in disease. Therefore, it has been classified as a Variant of Uncertain Significance.